The following is an entry in ClinVar:

ClinVar aggregate classification (germline): Likely benign. Review status: criteria provided, multiple submitters, no conflicts (2 of 4 stars). 2 submissions from 2 submitters: Likely benign (2). Last evaluated 2026-03-16.

Conditions:
Tuberous sclerosis 2 (TSC2). Identifiers: Orphanet 805, MedGen C1860707, MONDO:0013199, OMIM 613254.

Submissions (2):

Women's Health and Genetics/Laboratory Corporation of America, LabCorp
Classification: Likely benign. Last evaluated: 2026-03-16. Review status: criteria provided, single submitter. Criteria: LabCorp Variant Classification Summary - May 2015. Collection method: clinical testing. Allele origin: germline.
Comment: Variant summary: TSC2 c.849-7delC alters a nucleotide located at a position not widely known to affect splicing. Consensus agreement among computation tools predict no significant impact on normal splicing. However, these predictions have yet to be confirmed by functional studies. The variant was absent in 192250 control chromosomes. The available data on variant occurrences in the general population are insufficient to allow any conclusion about variant significance. To our knowledge, no occurrence of c.849-7delC in individuals affected with TSC2-related conditions and no experimental evidence demonstrating its impact on protein function have been reported. ClinVar contains an entry for this variant (Variation ID: 468189). Based on the evidence outlined above, the variant was classified as likely benign.

Labcorp Genetics (formerly Invitae), Labcorp
Classification: Likely benign for Tuberous sclerosis 2. Last evaluated: 2025-12-02. Review status: criteria provided, single submitter. Criteria: Invitae Variant Classification Sherloc (09022015). Collection method: clinical testing. Allele origin: germline.

NM_000548.5(TSC2):c.849-7del

Gene: TSC2 (TSC complex subunit 2; plus strand). Cytogenetic location: 16p13.3.
Variant type: Deletion.
Coding change: c.849-7del on transcript NM_000548.5 (MANE Select); 7 bases into the intron before coding-DNA position 849, one base deleted (C; older notation c.849-7delC).
Molecular consequence: intron variant.
Genome position (GRCh38, 1-based): chr16:2,058,740, C deleted. VCF-style (leftmost placement, unchanged base first): chr16-2058739-AC-A. GRCh37 (hg19) VCF-style: chr16-2108740-AC-A.
Other names: c.849-7del (NM_001114382.3, NM_021055.3, NM_001370405.1 and 4 more transcripts); c.738-7del (NM_001318827.2); c.249-7del (NM_001318831.2); c.702-7del (NM_001318829.2); c.882-7del (NM_001318832.2); c.849-7delC (NM_000548.5).
Identifiers: ClinVar variation 468189 (VCV000468189.11), dbSNP rs1555499625, ClinGen allele CA658658341.